The following is an entry in ClinVar:

NM_001378120.1(MBD5):c.2101A>C (p.Met701Leu)

Gene: MBD5 (methyl-CpG binding domain protein 5; plus strand). Cytogenetic location: 2q23.1.
Variant type: single nucleotide variant.
Coding change: c.2101A>C on transcript NM_001378120.1 (MANE Select); coding-DNA position 2101, A replaced by C.
Protein change: p.Met701Leu; replaces methionine 701 with leucine.
Molecular consequence: missense variant.
Genome position (GRCh38, 1-based): chr2:148,470,044, A>C. VCF-style: chr2-148470044-A-C. GRCh37 (hg19) VCF-style: chr2-149227613-A-C.
Other names: c.2101A>C, p.Met701Leu (NM_001438854.1, NM_001438855.1, NM_001438856.1 and 7 more transcripts); short protein forms M701L.
Identifiers: ClinVar variation 4744059 (VCV004744059.1).

ClinVar aggregate classification (germline): Uncertain significance (1 of 4 stars; one submission).

Conditions:
Intellectual developmental disorder, autosomal dominant 1. Also called: MBD5 Haploinsufficiency; Intellectual disability, autosomal dominant 1. Identifiers: Orphanet 228402, MedGen C1969562, MONDO:0007974, OMIM 156200.

gnomAD v4.1: 2 of 1,613,834 alleles (0.00012%); highest among the groups gnomAD compares: Non-Finnish European, 0.00017%; no homozygotes.

Submission:

Labcorp Genetics (formerly Invitae), Labcorp
Classification: Uncertain significance for Intellectual developmental disorder, autosomal dominant 1. Last evaluated: 2025-11-25. Review status: criteria provided, single submitter. Criteria: Invitae Variant Classification Sherloc (09022015). Collection method: clinical testing. Allele origin: germline.
Comment: This sequence change replaces methionine, which is neutral and non-polar, with leucine, which is neutral and non-polar, at codon 701 of the MBD5 protein (p.Met701Leu). This variant is not present in population databases (gnomAD no frequency). This variant has not been reported in the literature in individuals affected with MBD5-related conditions. Invitae Evidence Modeling of protein sequence and biophysical properties (such as structural, functional, and spatial information, amino acid conservation, physicochemical variation, residue mobility, and thermodynamic stability) indicates that this missense variant is not expected to disrupt MBD5 protein function with a negative predictive value of 80%. In summary, the available evidence is currently insufficient to determine the role of this variant in disease. Therefore, it has been classified as a Variant of Uncertain Significance.